The following is an entry in ClinVar:

ClinVar aggregate classification (germline): Likely pathogenic (1 of 4 stars; one submission).

Conditions:
Polycystic kidney disease 4 (PKD4). Also called: POLYCYSTIC KIDNEY AND HEPATIC DISEASE 1; POLYCYSTIC KIDNEY DISEASE, INFANTILE, TYPE I; POLYCYSTIC KIDNEY DISEASE 4 WITH OR WITHOUT POLYCYSTIC LIVER DISEASE; PKD3; Autosomal Recessive Polycystic Kidney Disease – PKHD1. Identifiers: MedGen C4540575, MONDO:0033004, OMIM 263200.

Submission:

Myriad Genetics, Inc.
Classification: Likely pathogenic for Polycystic kidney disease 4. Last evaluated: 2022-05-28. Review status: criteria provided, single submitter. Criteria: Myriad Women's Health Autosomal Recessive and X-Linked Classification Criteria (2021). Collection method: clinical testing. Allele origin: unknown.
Comment: NM_138694.3(PKHD1):c.7591_7592delCT(L2531Vfs*52) is expected to be pathogenic in the context of autosomal recessive polycystic kidney disease, PKHD1-related. This variant is predicted to lead to an abnormal or absent protein product due to the creation of a premature termination codon in PKHD1, a gene where loss-of-function variants are known to be pathogenic. Please note: this variant was assessed in the context of healthy population screening.

NM_138694.4(PKHD1):c.7591_7592del (p.Leu2531fs)

Gene: PKHD1 (PKHD1 ciliary IPT domain containing fibrocystin/polyductin; minus strand). Cytogenetic location: 6p12.2.
Variant type: Microsatellite.
Coding change: c.7591_7592del on transcript NM_138694.4 (MANE Select); coding-DNA positions 7591 to 7592, 2 bases deleted (CT; older notation c.7591_7592delCT).
Protein change: p.Leu2531fs; shifts the reading frame from leucine 2531.
Molecular consequence: frameshift variant.
Genome position (GRCh38, 1-based): chr6:51,868,004-51,868,005, AG deleted on the plus strand (CT on the coding strand, the reverse complement: PKHD1 is on the minus strand); deleting any 2 consecutive bases within chr6:51,868,004-51,868,008 gives the same sequence; the c. name uses the placement nearest the transcript's 3' end. VCF-style (leftmost placement, unchanged base first): chr6-51868003-CAG-C. GRCh37 (hg19) VCF-style: chr6-51732801-CAG-C.
Other names: c.7591_7592del, p.Leu2531fs (NM_170724.3); short protein forms L2531fs.
Identifiers: ClinVar variation 1726230 (VCV001726230.2), dbSNP rs2535977006, ClinGen allele CA2580617252.